The following is an entry in ClinVar:

ClinVar aggregate classification (germline): Uncertain significance (1 of 4 stars; one submission).

Conditions:
Developmental and epileptic encephalopathy, 53. Also called: Epileptic encephalopathy, early infantile, 53. Identifiers: MedGen C4479313, MONDO:0033362, OMIM 617389.
Early-onset Parkinson disease 20. Also called: PARKINSON DISEASE 20, AUTOSOMAL RECESSIVE EARLY-ONSET. Identifiers: Orphanet 391411, MedGen C3809824, MONDO:0014233, OMIM 615530.

Allele frequency attached by ClinVar (database versions not stated): gnomAD exomes below 0.00001; TOPMed 0.00003.
gnomAD v4.1: 7 of 1,467,366 alleles (0.00048%); highest among the groups gnomAD compares: African/African-American, 0.0086%; no homozygotes.

Submission:

Labcorp Genetics (formerly Invitae), Labcorp
Classification: Uncertain significance for Developmental and epileptic encephalopathy, 53; Early-onset Parkinson disease 20. Last evaluated: 2023-09-01. Review status: criteria provided, single submitter. Criteria: Invitae Variant Classification Sherloc (09022015). Collection method: clinical testing. Allele origin: germline.
Comment: Advanced modeling of protein sequence and biophysical properties (such as structural, functional, and spatial information, amino acid conservation, physicochemical variation, residue mobility, and thermodynamic stability) has been performed at Invitae for this missense variant, however the output from this modeling did not meet the statistical confidence thresholds required to predict the impact of this variant on SYNJ1 protein function. In summary, the available evidence is currently insufficient to determine the role of this variant in disease. Therefore, it has been classified as a Variant of Uncertain Significance. ClinVar contains an entry for this variant (Variation ID: 1019084). This variant has not been reported in the literature in individuals affected with SYNJ1-related conditions. This variant is not present in population databases (gnomAD no frequency). This sequence change replaces proline, which is neutral and non-polar, with leucine, which is neutral and non-polar, at codon 1138 of the SYNJ1 protein (p.Pro1138Leu).

NM_203446.3(SYNJ1):c.3296C>T (p.Pro1099Leu)

Gene: SYNJ1 (synaptojanin 1; minus strand). Cytogenetic location: 21q22.11.
Variant type: single nucleotide variant.
Coding change: c.3296C>T on transcript NM_203446.3 (MANE Select); coding-DNA position 3296, C replaced by T.
Protein change: p.Pro1099Leu; replaces proline 1099 with leucine.
Molecular consequence: missense variant.
Genome position (GRCh38, 1-based): chr21:32,645,741, G>A on the plus strand (C>T on the coding strand, the complement: SYNJ1 is on the minus strand). VCF-style: chr21-32645741-G-A. GRCh37 (hg19) VCF-style: chr21-34018051-G-A.
Other names: c.3296C>T, p.Pro1099Leu (NM_001160302.2); c.3281C>T, p.Pro1094Leu (NM_001160306.2); c.3413C>T, p.Pro1138Leu (NM_003895.4); short protein forms P1094L, P1099L, P1138L.
Identifiers: ClinVar variation 1019084 (VCV001019084.7), dbSNP rs1447192933, ClinGen allele CA410068386.